The following is an entry in ClinVar:

ClinVar aggregate classification (germline): Uncertain significance (1 of 4 stars; one submission).

Conditions:
Genitopatellar syndrome (GTPTS). Also called: Genitopatellar syndrome (GPS); ABSENT PATELLAE, SCROTAL HYPOPLASIA, RENAL ANOMALIES, FACIAL DYSMORPHISM, AND MENTAL RETARDATION. Identifiers: Orphanet 85201, MedGen C1853566, MONDO:0011640, OMIM 606170.

Allele frequency attached by ClinVar (database versions not stated): gnomAD exomes below 0.00001; TOPMed 0.00002; gnomAD 0.00003.
gnomAD v4.1: 6 of 1,614,100 alleles (0.00037%); highest among the groups gnomAD compares: African/African-American, 0.008%; no homozygotes.

Submission:

Labcorp Genetics (formerly Invitae), Labcorp
Classification: Uncertain significance for Genitopatellar syndrome. Last evaluated: 2025-07-16. Review status: criteria provided, single submitter. Criteria: Invitae Variant Classification Sherloc (09022015). Collection method: clinical testing. Allele origin: germline.
Comment: This sequence change replaces alanine, which is neutral and non-polar, with threonine, which is neutral and polar, at codon 1956 of the KAT6B protein (p.Ala1956Thr). This variant is present in population databases (no rsID available, gnomAD 0.02%). This variant has not been reported in the literature in individuals affected with KAT6B-related conditions. ClinVar contains an entry for this variant (Variation ID: 2046833). Invitae Evidence Modeling of protein sequence and biophysical properties (such as structural, functional, and spatial information, amino acid conservation, physicochemical variation, residue mobility, and thermodynamic stability) indicates that this missense variant is not expected to disrupt KAT6B protein function with a negative predictive value of 80%. In summary, the available evidence is currently insufficient to determine the role of this variant in disease. Therefore, it has been classified as a Variant of Uncertain Significance.

NM_012330.4(KAT6B):c.5866G>A (p.Ala1956Thr)

Gene: KAT6B (lysine acetyltransferase 6B; plus strand). Cytogenetic location: 10q22.2.
Variant type: single nucleotide variant.
Coding change: c.5866G>A on transcript NM_012330.4 (MANE Select); coding-DNA position 5866, G replaced by A.
Protein change: p.Ala1956Thr; replaces alanine 1956 with threonine.
Molecular consequence: missense variant.
Genome position (GRCh38, 1-based): chr10:75,030,690, G>A. VCF-style: chr10-75030690-G-A. GRCh37 (hg19) VCF-style: chr10-76790448-G-A.
Other names: c.5317G>A, p.Ala1773Thr (NM_001256468.2, NM_001370138.1); c.4990G>A, p.Ala1664Thr (NM_001256469.2, NM_001370139.1, NM_001370140.1 and 2 more transcripts); c.4828G>A, p.Ala1610Thr (NM_001370132.1); c.4177G>A, p.Ala1393Thr (NM_001370133.1); c.3781G>A, p.Ala1261Thr (NM_001370134.1); c.3523G>A, p.Ala1175Thr (NM_001370135.1); c.5866G>A, p.Ala1956Thr (NM_001370136.1, NM_001370137.1); c.4801G>A, p.Ala1601Thr (NM_001370143.1, NM_001370144.1); short protein forms A1261T, A1601T, A1773T, A1393T, A1664T, A1610T, A1956T, A1175T.
Identifiers: ClinVar variation 2046833 (VCV002046833.4), dbSNP rs1007982536, ClinGen allele CA209711158.